The following is an entry in ClinVar:

NM_001385482.1(HAUS7):c.931-39TCCC[11]

Gene: HAUS7 (HAUS augmin like complex subunit 7; minus strand). Cytogenetic location: Xq28.
Variant type: Microsatellite.
Coding change: c.931-39TCCC[11] on transcript NM_001385482.1 (MANE Select); 11 copies in a row of the 4-base unit TCCC starting at c.931-39; the reference has nine copies in a row; two copies, 8 bases duplicated.
Molecular consequence: intron variant.
Genome position (GRCh38, 1-based): chrX:153,454,512-153,454,519, GGGAGGGA duplicated on the plus strand (TCCCTCCC on the coding strand, the reverse complement: HAUS7 is on the minus strand); duplicating any 8 consecutive bases within chrX:153,454,512-153,454,548 gives the same sequence; the position shown is the placement nearest the transcript's 3' end. VCF-style (leftmost placement, unchanged base first): chrX-153454511-G-GGGGAGGGA. GRCh37 (hg19) VCF-style: chrX-152719969-G-GGGGAGGGA.
Other names: NM_017518.7:c.961-11_961-4dupTCCCTCCC; c.1108-39TCCC[11] (NM_001385483.1, NM_001385481.1).
Identifiers: ClinVar variation 786398 (VCV000786398.5), dbSNP rs371637396, ClinGen allele CA645146245.
Genomic context (GRCh38, chrX:153,454,511, plus strand): 5'-TCACGGTCTCCACGGCCTTCGCAGAGGTGTCAGCAACTGCCATGACCACTTGCAGCAGCT[G>GGGGAGGGA]GGGAGGGAGGGAGGGAGGGAGGGAGGGAGGGAGGGAGCGAGCAGGCACTAAATGCCGCTG-3'

ClinVar aggregate classification (germline): Likely benign. Review status: criteria provided, multiple submitters, no conflicts (2 of 4 stars). 2 submissions from 2 submitters: Likely benign (2). Last evaluated 2026-06-01.

Submissions (2):

CeGaT Center for Human Genetics Tuebingen
Classification: Likely benign. Last evaluated: 2026-06-01. Review status: criteria provided, single submitter. Criteria: CeGaT Center For Human Genetics Tuebingen Variant Classification Criteria Version 2. Collection method: clinical testing. Allele origin: germline. Affected: yes. Observed: 1 variant allele.
Comment: HAUS7: BP4, BS2

Labcorp Genetics (formerly Invitae), Labcorp
Classification: Likely benign. Last evaluated: 2018-05-18. Review status: criteria provided, single submitter. Criteria: Invitae Variant Classification Sherloc (09022015). Collection method: clinical testing. Allele origin: germline.